The following is an entry in ClinVar:

NM_004265.4(FADS2):c.208-3247C>G

Gene: FADS2 (fatty acid desaturase 2; plus strand). Cytogenetic location: 11q12.2.
Variant type: single nucleotide variant.
Coding change: c.208-3247C>G on transcript NM_004265.4 (MANE Select); 3247 bases into the intron before coding-DNA position 208, C replaced by G.
Molecular consequence: intron variant.
Genome position (GRCh38, 1-based): chr11:61,834,531, C>G. VCF-style: chr11-61834531-C-G. GRCh37 (hg19) VCF-style: chr11-61602003-C-G.
Other names: c.142-3247C>G (NM_001281501.1); c.115-3247C>G (NM_001281502.1).
Identifiers: ClinVar variation 1269746 (VCV001269746.1), dbSNP rs174575, ClinGen allele CA13418943.
Genomic context (GRCh38, chr11:61,834,531, plus strand): 5'-CCCATTACCCCTGGGCTCAGGGAGGTGAGGCTGCCCGAGAGCCCTCTGGAAATGGCTGAG[C>G]AGCAACCAAGGTCAAGGCAGGGCTCGTCATCTGTCTGCTCCCTTGGAGTTGGAACCTCGA-3'

ClinVar aggregate classification (germline): Benign (1 of 4 stars; one submission).

Allele frequency attached by ClinVar (database versions not stated): 1000 Genomes Project 0.20927; 1000 Genomes Project 30x 0.21627; gnomAD 0.24309 and 0.24762; TOPMed 0.24965.
gnomAD v4.1: 37,031 of 152,114 alleles (24%); highest among the groups gnomAD compares: Middle Eastern, 32%; 4,702 homozygotes.

Submission:

GeneDx
Classification: Benign. Last evaluated: 2021-02-24. Review status: criteria provided, single submitter. Criteria: GeneDx Variant Classification Process June 2021. Collection method: clinical testing. Allele origin: germline. Affected: yes.
Comment: This variant is associated with the following publications: (PMID: 32127356)